The following is an entry in ClinVar:

NM_006420.3(ARFGEF2):c.2111A>C (p.Asn704Thr)

Gene: ARFGEF2 (ARF guanine nucleotide exchange factor 2; plus strand). Cytogenetic location: 20q13.13.
Variant type: single nucleotide variant.
Coding change: c.2111A>C on transcript NM_006420.3 (MANE Select); coding-DNA position 2111, A replaced by C.
Protein change: p.Asn704Thr; replaces asparagine 704 with threonine.
Molecular consequence: missense variant.
Genome position (GRCh38, 1-based): chr20:48,985,448, A>C. VCF-style: chr20-48985448-A-C. GRCh37 (hg19) VCF-style: chr20-47601985-A-C.
Other names: p.Asn704Thr; c.2108A>C, p.Asn703Thr (NM_001410846.1); c.2111A>C (NM_006420.2); short protein forms N703T, N704T.
Identifiers: ClinVar variation 1983890 (VCV001983890.6), dbSNP rs764311308, ClinGen allele CA9898565.

ClinVar aggregate classification (germline): Uncertain significance. Review status: criteria provided, multiple submitters, no conflicts (2 of 4 stars). 3 submissions from 3 submitters: Uncertain significance (3). Last evaluated 2025-03-07.

Conditions:
Inborn genetic diseases. Identifiers: MedGen C0950123, MeSH D030342.

Allele frequency attached by ClinVar (database versions not stated): ExAC 0.00001.
gnomAD v4.1: 2 of 1,614,200 alleles (0.00012%); highest among the groups gnomAD compares: Admixed American, 0.0033%; no homozygotes.

Submissions (3):

Ambry Genetics
Classification: Uncertain significance for Inborn genetic diseases. Last evaluated: 2025-03-07. Review status: criteria provided, single submitter. Criteria: Ambry Variant Classification Scheme 2023. Collection method: clinical testing. Allele origin: germline.

Mayo Clinic Laboratories, Mayo Clinic
Classification: Uncertain significance. Last evaluated: 2024-06-06. Review status: criteria provided, single submitter. Criteria: ACMG Guidelines, 2015. Collection method: clinical testing. Allele origin: germline. Observed: 1 variant allele.
Comment: PP3, PM2

Labcorp Genetics (formerly Invitae), Labcorp
Classification: Uncertain significance. Last evaluated: 2022-10-22. Review status: criteria provided, single submitter. Criteria: Invitae Variant Classification Sherloc (09022015). Collection method: clinical testing. Allele origin: germline.
Comment: This sequence change replaces asparagine, which is neutral and polar, with threonine, which is neutral and polar, at codon 704 of the ARFGEF2 protein (p.Asn704Thr). This variant is present in population databases (rs764311308, gnomAD 0.006%). This variant has not been reported in the literature in individuals affected with ARFGEF2-related conditions. Algorithms developed to predict the effect of missense changes on protein structure and function are either unavailable or do not agree on the potential impact of this missense change (SIFT: "Deleterious"; PolyPhen-2: "Possibly Damaging"; Align-GVGD: "Class C0"). In summary, the available evidence is currently insufficient to determine the role of this variant in disease. Therefore, it has been classified as a Variant of Uncertain Significance.